The following is an entry in ClinVar:

NM_032119.4(ADGRV1):c.4129G>A (p.Gly1377Ser)

Gene: ADGRV1 (adhesion G protein-coupled receptor V1; plus strand). Cytogenetic location: 5q14.3.
Variant type: single nucleotide variant.
Coding change: c.4129G>A on transcript NM_032119.4 (MANE Select); coding-DNA position 4129, G replaced by A.
Protein change: p.Gly1377Ser; replaces glycine 1377 with serine.
Molecular consequence: missense variant. On other transcripts: non-coding transcript variant (1).
Genome position (GRCh38, 1-based): chr5:90,653,703, G>A. VCF-style: chr5-90653703-G-A. GRCh37 (hg19) VCF-style: chr5-89949520-G-A.
Other names: short protein forms G1377S.
Identifiers: ClinVar variation 964935 (VCV000964935.7), dbSNP rs1768983271, ClinGen allele CA360401502.
Genomic context (GRCh38, chr5:90,653,703, plus strand): 5'-TTCTCAGCTTGGGTAATGCCCAATGCCAATACGAATGGATTCATTATAGCGAAGGATGAC[G>A]GTAATGGAAGCATCTACTACGGGGTAAAAATACAAACAAACGAATCCCATGTGACACTTT-3'
Protein context (NP_115495.3, residues 1367-1387): TNGFIIAKDD[Gly1377Ser]NGSIYYGVKI

ClinVar aggregate classification (germline): Uncertain significance (1 of 4 stars; one submission).

Allele frequency attached by ClinVar (database versions not stated): TOPMed below 0.00001; gnomAD 0.00001; gnomAD exomes 0.00001.
gnomAD v4.1: 16 of 1,612,960 alleles (0.00099%); highest among the groups gnomAD compares: Non-Finnish European, 0.0014%; no homozygotes.

Submission:

Labcorp Genetics (formerly Invitae), Labcorp
Classification: Uncertain significance. Last evaluated: 2021-08-26. Review status: criteria provided, single submitter. Criteria: Invitae Variant Classification Sherloc (09022015). Collection method: clinical testing. Allele origin: germline.
Comment: This sequence change replaces glycine with serine at codon 1377 of the ADGRV1 protein (p.Gly1377Ser). The glycine residue is weakly conserved and there is a small physicochemical difference between glycine and serine. This variant is not present in population databases (ExAC no frequency). This variant has not been reported in the literature in individuals affected with ADGRV1-related conditions. Algorithms developed to predict the effect of missense changes on protein structure and function output the following: SIFT: "Tolerated"; PolyPhen-2: "Probably Damaging"; Align-GVGD: "Class C0". The serine amino acid residue is found in multiple mammalian species, which suggests that this missense change does not adversely affect protein function. In summary, the available evidence is currently insufficient to determine the role of this variant in disease. Therefore, it has been classified as a Variant of Uncertain Significance.